The following is an entry in ClinVar:

NM_001142800.2(EYS):c.9209T>C (p.Ile3070Thr)

Genes: EYS (EGF-like photoreceptor maintenance factor; minus strand), PHF3 (PHD finger protein 3; plus strand). Cytogenetic location: 6q12.
Variant type: single nucleotide variant.
Coding change: c.9209T>C on transcript NM_001142800.2 (MANE Select); coding-DNA position 9209, T replaced by C.
Protein change: p.Ile3070Thr; replaces isoleucine 3070 with threonine.
Molecular consequence: missense variant. On other transcripts: 3 prime UTR variant (5).
Genome position (GRCh38, 1-based): chr6:63,720,822, A>G on the plus strand (T>C on the coding strand, the complement: EYS is on the minus strand). VCF-style: chr6-63720822-A-G. GRCh37 (hg19) VCF-style: chr6-64430718-A-G.
Other names: c.*7114A>G (NM_001290259.2, NM_001370348.2, NM_001370349.2 and 2 more transcripts); c.9272T>C, p.Ile3091Thr (NM_001292009.2); short protein forms I3070T, I3091T.
Identifiers: ClinVar variation 143116 (VCV000143116.19), dbSNP rs183589498, ClinGen allele CA270072.

ClinVar aggregate classification (germline): Conflicting classifications of pathogenicity. Review status: criteria provided, conflicting classifications (1 of 4 stars). 6 submissions from 6 submitters: Uncertain significance (3); Benign (1); Likely benign (1). 1 of the submissions does not count toward it. Last evaluated 2026-02-01.

Conditions:
Retinal dystrophy. Also called: Inherited retinal dystrophy. Identifiers: Orphanet 71862, MedGen C0854723, MeSH D058499, MONDO:0019118, HP:0000556.
Retinitis pigmentosa (RP). Identifiers: Orphanet 791, MedGen C0035334, MeSH D012174, MONDO:0019200, OMIM 268000. Inheritance: Autosomal dominant, autosomal recessive and X linked inheritance.

Allele frequency attached by ClinVar (database versions not stated): gnomAD exomes 0.00011 and 0.00032; gnomAD 0.00013 and 0.00014; ExAC 0.00014; TOPMed 0.00020; 1000 Genomes Project 0.00040; 1000 Genomes Project 30x 0.00047.
gnomAD v4.1: 177 of 1,551,248 alleles (0.011%); highest among the groups gnomAD compares: East Asian, 0.25%; 1 homozygote.

Submissions (6):

Labcorp Genetics (formerly Invitae), Labcorp
Classification: Benign. Last evaluated: 2026-02-01. Review status: criteria provided, single submitter. Criteria: Invitae Variant Classification Sherloc (09022015). Collection method: clinical testing. Allele origin: germline.

Blueprint Genetics
Classification: Uncertain significance. Last evaluated: 2024-10-28. Review status: criteria provided, single submitter. Criteria: ACMG Guidelines, 2015. Collection method: clinical testing. Allele origin: germline.

Dept Of Ophthalmology, Nagoya University
Classification: Likely benign for Retinal dystrophy. Last evaluated: 2023-10-01. Review status: criteria provided, single submitter. Criteria: Submitter's publication. Collection method: research. Allele origin: germline. Affected: yes.

Women's Health and Genetics/Laboratory Corporation of America, LabCorp
Classification: Uncertain significance. Last evaluated: 2023-08-04. Review status: criteria provided, single submitter. Criteria: LabCorp Variant Classification Summary - May 2015. Collection method: clinical testing. Allele origin: germline.
Comment: Variant summary: EYS c.9209T>C (p.Ile3070Thr) results in a non-conservative amino acid change located in the Laminin G domain (IPR001791) of the encoded protein sequence. Three of five in-silico tools predict a benign effect of the variant on protein function. The variant allele was found at a frequency of 0.00032 in 157018 control chromosomes, predominantly at a frequency of 0.0039 within the East Asian subpopulation in the gnomAD database, including 1 homozygote. The observed variant frequency within East Asian control individuals in the gnomAD database is approximately 1.14-fold of the estimated maximal expected allele frequency for a pathogenic variant in EYS causing Retinitis Pigmentosa phenotype (0.0034), strongly suggesting that the variant is a benign polymorphism found primarily in populations of East Asian origin. c.9209T>C has been reported in the literature in East Asian individuals affected with Retinitis Pigmentosa without cosegregation information (Hosono_2012, Oishi_2014, Miyata_2017, Koyanagi_2019, Dan_2020, Ma_2021). Some patients had other variants without a confirmed phase, including a pathogenic variant. These reports do not provide unequivocal conclusions about association of the variant with Retinitis Pigmentosa. To our knowledge, no experimental evidence demonstrating an impact on protein function has been reported. The following publications have been ascertained in the context of this evaluation (PMID: 22363543, 25324289, 27658286, 31213501, 31960602, 33691693). Two submitters have cited clinical-significance assessments for this variant to ClinVar after 2014. One submitter classified the variant as benign, and one submitter classified the variant as uncertain significance. Based on the evidence outlined above, the variant was classified as VUS-possibly benign.

Illumina Laboratory Services, Illumina
Classification: Uncertain significance for Retinitis pigmentosa. Last evaluated: 2017-04-27. Review status: criteria provided, single submitter. Criteria: ICSL Variant Classification Criteria 13 December 2019. Collection method: clinical testing. Allele origin: germline.
Comment: This variant was observed as part of a predisposition screen in an ostensibly healthy population. A literature search was performed for the gene, cDNA change, and amino acid change (where applicable). Publications were found based on this search. However, the evidence from the literature, in combination with allele frequency data from public databases where available, was not sufficient to rule this variant in or out of causing disease. Therefore, this variant is classified as a variant of unknown significance.

Department of Ophthalmology and Visual Sciences Kyoto University
Classification: Pathogenic for Retinitis pigmentosa. Review status: no assertion criteria provided. Collection method: not provided. Allele origin: unknown. Not counted in ClinVar's aggregate classification.
ClinVar note: Converted during submission from pathogenic to Pathogenic.

Literature cited by the submitters: PubMed 31960602 (cited by Women's Health and Genetics/Laboratory Corporation of America, LabCorp); PubMed 25324289 (cited by Women's Health and Genetics/Laboratory Corporation of America, LabCorp); PubMed 31213501 (cited by Women's Health and Genetics/Laboratory Corporation of America, LabCorp); PubMed 22363543 (cited by Women's Health and Genetics/Laboratory Corporation of America, LabCorp and Illumina Laboratory Services, Illumina); PubMed 33691693 (cited by Women's Health and Genetics/Laboratory Corporation of America, LabCorp); PubMed 27658286 (cited by Women's Health and Genetics/Laboratory Corporation of America, LabCorp and Illumina Laboratory Services, Illumina); PubMed 26161267 (cited by Illumina Laboratory Services, Illumina).